The following is an entry in ClinVar:

NC_000002.12:g.(?_165295804)_(165389844_?)dup

Gene: SCN2A (sodium voltage-gated channel alpha subunit 2; plus strand). Cytogenetic location: 2q24.3.
Variant type: Duplication.
Identifiers: ClinVar variation 831936 (VCV000831936.1).

ClinVar aggregate classification (germline): Uncertain significance (1 of 4 stars; one submission).

Conditions:
Seizures, benign familial infantile, 3 (BFIS3). Also called: Familial neonatal seizures; CONVULSIONS, BENIGN FAMILIAL INFANTILE, 3. Identifiers: Orphanet 140927, Orphanet 306, MedGen C1843140, MONDO:0011904, OMIM 607745.
Developmental and epileptic encephalopathy, 11 (DEE11). Also called: Early infantile epileptic encephalopathy 11. Identifiers: Orphanet 1934, MedGen C3150987, MONDO:0013388, OMIM 613721.

Submission:

Labcorp Genetics (formerly Invitae), Labcorp
Classification: Uncertain significance for Benign familial neonatal-infantile seizures; Early infantile epileptic encephalopathy 11. Last evaluated: 2019-10-21. Review status: criteria provided, single submitter. Criteria: Invitae Variant Classification Sherloc (09022015). Collection method: clinical testing. Allele origin: germline.
Comment: This variant results in a copy number gain of the genomic region encompassing the full coding sequence of the SCN2A gene. The boundaries of this event are unknown as they extend beyond the assayed region for this gene and therefore may encompass additional genes. As the precise location of this event is unknown, it may be in tandem or it may be located elsewhere in the genome. Isolated whole-gene duplications of the SCN2A gene have not been reported in the literature. However, larger copy number events that include this gene have been reported (PMID: 23016767, 26068938, 21416599, 23184456, 21692795). In summary, the available evidence is currently insufficient to determine the role of this variant in disease. Therefore, it has been classified as a Variant of Uncertain Significance.

Literature cited by the submitters: PubMed 23016767; PubMed 21416599; PubMed 23184456; PubMed 21692795; PubMed 26068938.